The following is an entry in ClinVar:

ClinVar aggregate classification (germline): Uncertain significance (1 of 4 stars; one submission).

Conditions:
Hereditary cancer-predisposing syndrome. Also called: Neoplastic Syndromes, Hereditary; Tumor predisposition; Hereditary Cancer Syndrome; Hereditary neoplastic syndrome. Identifiers: Orphanet 140162, MedGen C0027672, MeSH D009386, MONDO:0015356.

gnomAD v4.1: 2 of 1,614,064 alleles (0.00012%); highest among the groups gnomAD compares: Non-Finnish European, 0.00017%; no homozygotes.

Submission:

Ambry Genetics
Classification: Uncertain significance for Hereditary cancer-predisposing syndrome. Last evaluated: 2026-07-31. Review status: criteria provided, single submitter. Criteria: Ambry Variant Classification Scheme 2023. Collection method: clinical testing. Allele origin: germline.
Comment: The c.339G>A variant (also known as p.L113L), located in coding exon 2 of the TMEM127 gene, results from a G to A substitution at nucleotide position 339. This nucleotide substitution does not change the amino acid at codon 113. This nucleotide position is not well conserved in available vertebrate species. In silico splice site analysis predicts that this alteration will result in the creation or strengthening of a novel splice acceptor site; however, direct evidence is insufficient at this time (Ambry internal data). Based on the available evidence, the clinical significance of this variant remains unclear.

NM_017849.4(TMEM127):c.339G>A (p.Leu113=)

Gene: TMEM127 (transmembrane protein 127; minus strand). Cytogenetic location: 2q11.2.
Variant type: single nucleotide variant.
Coding change: c.339G>A on transcript NM_017849.4 (MANE Select); coding-DNA position 339, G replaced by A.
Protein change: p.Leu113=; no amino-acid change (leucine 113 retained).
Molecular consequence: synonymous variant.
Genome position (GRCh38, 1-based): chr2:96,254,903, C>T on the plus strand (G>A on the coding strand, the complement: TMEM127 is on the minus strand). VCF-style: chr2-96254903-C-T. GRCh37 (hg19) VCF-style: chr2-96920641-C-T.
Other names: c.339G>A, p.Leu113= (NM_001193304.3); c.87G>A, p.Leu29= (NM_001407282.1, NM_001407283.1).
Identifiers: ClinVar variation 4552047 (VCV004552047.2).